The following is an entry in ClinVar:

ClinVar aggregate classification (germline): Uncertain significance (1 of 4 stars; one submission).

Allele frequency attached by ClinVar (database versions not stated): gnomAD exomes below 0.00001.
gnomAD v4.1: 1 of 1,614,200 alleles (0.000062%); highest among the groups gnomAD compares: Non-Finnish European, 0.000085%; no homozygotes.

Submission:

Labcorp Genetics (formerly Invitae), Labcorp
Classification: Uncertain significance. Last evaluated: 2022-12-15. Review status: criteria provided, single submitter. Criteria: Invitae Variant Classification Sherloc (09022015). Collection method: clinical testing. Allele origin: germline.
Comment: Algorithms developed to predict the effect of missense changes on protein structure and function output the following: SIFT: "Tolerated"; PolyPhen-2: "Benign"; Align-GVGD: "Class C0". The glutamine amino acid residue is found in multiple mammalian species, which suggests that this missense change does not adversely affect protein function. In summary, the available evidence is currently insufficient to determine the role of this variant in disease. Therefore, it has been classified as a Variant of Uncertain Significance. This variant has not been reported in the literature in individuals affected with BEST1-related conditions. This variant is not present in population databases (gnomAD no frequency). This sequence change replaces glutamic acid, which is acidic and polar, with glutamine, which is neutral and polar, at codon 554 of the BEST1 protein (p.Glu554Gln).

NM_004183.4(BEST1):c.1660G>C (p.Glu554Gln)

Gene: BEST1 (bestrophin 1; plus strand). Cytogenetic location: 11q12.3.
Variant type: single nucleotide variant.
Coding change: c.1660G>C on transcript NM_004183.4 (MANE Select); coding-DNA position 1660, G replaced by C.
Protein change: p.Glu554Gln; replaces glutamic acid 554 with glutamine.
Molecular consequence: missense variant. On other transcripts: non-coding transcript variant (1).
Genome position (GRCh38, 1-based): chr11:61,962,814, G>C. VCF-style: chr11-61962814-G-C. GRCh37 (hg19) VCF-style: chr11-61730286-G-C.
Other names: c.1480G>C, p.Glu494Gln (NM_001139443.3, NM_001300787.2); c.1399G>C, p.Glu467Gln (NM_001300786.2); c.1342G>C, p.Glu448Gln (NM_001363591.3); c.*555G>C (NM_001363592.2); c.688G>C, p.Glu230Gln (NM_001363593.3); short protein forms E230Q, E448Q, E494Q, E467Q, E554Q.
Identifiers: ClinVar variation 2821138 (VCV002821138.3), dbSNP rs2541416793, ClinGen allele CA380850284.